The following is an entry in ClinVar:

NM_001018113.3(FANCB):c.1769T>C (p.Phe590Ser)

Gene: FANCB (FA complementation group B; minus strand). Cytogenetic location: Xp22.2.
Variant type: single nucleotide variant.
Coding change: c.1769T>C on transcript NM_001018113.3 (MANE Select); coding-DNA position 1769, T replaced by C.
Protein change: p.Phe590Ser; replaces phenylalanine 590 with serine.
Molecular consequence: missense variant.
Genome position (GRCh38, 1-based): chrX:14,845,014, A>G on the plus strand (T>C on the coding strand, the complement: FANCB is on the minus strand). VCF-style: chrX-14845014-A-G. GRCh37 (hg19) VCF-style: chrX-14863136-A-G.
Other names: p.Phe590Ser; c.1769T>C (NM_001018113.2, NM_152633.3); c.1769T>C, p.Phe590Ser (NM_001324162.2, NM_152633.4); short protein forms F590S.
Identifiers: ClinVar variation 246611 (VCV000246611.32), dbSNP rs142959373, ClinGen allele CA10353003.

ClinVar aggregate classification (germline): Conflicting classifications of pathogenicity. Review status: criteria provided, conflicting classifications (1 of 4 stars). 15 submissions from 14 submitters: Uncertain significance (1); Benign (6); Likely benign (4). 4 of the submissions do not count toward it. Last evaluated 2026-02-02.

Conditions:
FANCB-related disorder. Also called: FANCB-related condition.
History of neurodevelopmental disorder. Identifiers: MedGen C2711754.
VACTERL association, X-linked, with or without hydrocephalus (VACTERLX). Also called: VACTERL Association with Hydrocephalus, X-linked; X-linked VACTERL-H syndrome; VACTERL ASSOCIATION, X-LINKED; VACTERL-H, X-LINKED. Identifiers: Orphanet 3412, MedGen C2931228, MONDO:0010752, OMIM 314390.
Fanconi anemia (FA). Also called: Fanconi's anemia. Identifiers: Orphanet 84, MedGen C0015625, MeSH D005199, MONDO:0019391.
Fanconi anemia complementation group B (FANCB). Also called: FANCONI PANCYTOPENIA, TYPE 2; FANCB-Related Fanconi Anemia. Identifiers: Orphanet 84, MedGen C1845292, MONDO:0010351, OMIM 300514.
Fanconi anemia complementation group A (FANCA). Also called: Fanconi anemia, group A; FANCA-Related Fanconi Anemia. Identifiers: Orphanet 84, MedGen C3469521, MONDO:0009215, OMIM 227650.
Malignant tumor of breast. Also called: Malignant breast neoplasm; Cancer breast. Identifiers: MedGen C0006142, MONDO:0007254. Disease mechanism: loss of function.

Allele frequency attached by ClinVar (database versions not stated): 1000 Genomes Project 0.00053; 1000 Genomes Project 30x 0.00062; TOPMed 0.00102; gnomAD 0.00109 and 0.00112; ESP Exome Variant Server 0.00114; ExAC 0.00128.
gnomAD v4.1: 1,808 of 1,208,655 alleles (0.15%); highest among the groups gnomAD compares: Middle Eastern, 0.35%; 5 homozygotes.

Submissions (15):

Labcorp Genetics (formerly Invitae), Labcorp
Classification: Benign for Fanconi anemia. Last evaluated: 2026-02-02. Review status: criteria provided, single submitter. Criteria: Invitae Variant Classification Sherloc (09022015). Collection method: clinical testing. Allele origin: germline.

Mayo Clinic Laboratories, Mayo Clinic
Classification: Likely benign. Last evaluated: 2025-09-16. Review status: criteria provided, single submitter. Criteria: ACMG Guidelines, 2015. Collection method: clinical testing. Allele origin: germline. Observed: 1 variant allele.
Comment: BS1, BP4

Blueprint Genetics
Classification: Likely benign. Last evaluated: 2024-11-13. Review status: criteria provided, single submitter. Criteria: ACMG Guidelines, 2015. Collection method: clinical testing. Allele origin: germline.

KCCC/NGS Laboratory, Kuwait Cancer Control Center
Classification: Benign for Fanconi anemia complementation group B. Last evaluated: 2023-07-07. Review status: criteria provided, single submitter. Criteria: ACMG Guidelines, 2015. Collection method: clinical testing. Allele origin: germline. Affected: yes.

Genetic Services Laboratory, University of Chicago
Classification: Benign. Last evaluated: 2021-01-12. Review status: criteria provided, single submitter. Criteria: ACMG Guidelines, 2015. Collection method: clinical testing. Allele origin: germline. Affected: no.

GeneDx
Classification: Benign. Last evaluated: 2019-05-29. Review status: criteria provided, single submitter. Criteria: GeneDx Variant Classification Process June 2021. Collection method: clinical testing. Allele origin: germline. Affected: yes.

Mendelics
Classification: Likely benign for Fanconi anemia complementation group A. Last evaluated: 2019-05-28. Review status: criteria provided, single submitter. Criteria: Mendelics Assertion Criteria 2017. Collection method: clinical testing. Allele origin: unknown.

Illumina Laboratory Services, Illumina
Classification: Benign for VACTERL association with hydrocephaly, X-linked. Last evaluated: 2018-01-13. Review status: criteria provided, single submitter. Criteria: ICSL Variant Classification Criteria 13 December 2019. Collection method: clinical testing. Allele origin: germline.
Comment: This variant was observed in the ICSL laboratory as part of a predisposition screen in an ostensibly healthy population. It had not been previously curated by ICSL or reported in the Human Gene Mutation Database (HGMD: prior to June 1st, 2018), and was therefore a candidate for classification through an automated scoring system. Utilizing variant allele frequency, disease prevalence and penetrance estimates, and inheritance mode, an automated score was calculated to assess if this variant is too frequent to cause the disease. Based on the score and internal cut-off values, a variant classified as benign is not then subjected to further curation. The score for this variant resulted in a classification of benign for this disease.

Illumina Laboratory Services, Illumina
Classification: Benign for Fanconi anemia complementation group B. Last evaluated: 2018-01-13. Review status: criteria provided, single submitter. Criteria: ICSL Variant Classification Criteria 13 December 2019. Collection method: clinical testing. Allele origin: germline.
Comment: the same text as in the submission from Illumina Laboratory Services, Illumina above.

Center for Pediatric Genomic Medicine, Children's Mercy Hospital and Clinics
Classification: Likely benign. Last evaluated: 2016-12-12. Review status: criteria provided, single submitter. Criteria: ACMG Guidelines, 2015. Collection method: clinical testing. Allele origin: germline.
ClinVar note: Converted during submission from Likely Benign to Likely benign.

Ambry Genetics
Classification: Uncertain significance for History of neurodevelopmental disorder. Last evaluated: 2012-10-03. Review status: criteria provided, single submitter. Criteria: Ambry Autosomal Dominant and X-Linked criteria (10/2015). Collection method: clinical testing. Allele origin: germline. Observed: 1 variant allele.
Comment: Co-segregation data for this variant is currently unavailable.This variant has not been detected in conjunction with a pathogenic mutation to date.Based on data from the NHLBI Exome Sequencing Project (ESP), the C-allele was absent in 1997 male alleles studied and was not observed in the homozygous state in 3382 female alleles studied (Released July 2010). This amino acid position is not conserved on limited sequence alignment.This alteration is predicted to be possibly damaging with a score of 0.605 (sensitivity: 0.80; specificity: 0.82)This alteration is predicted to be tolerated with a score of 0.140 (conservation: 2.54)

PreventionGenetics, part of Exact Sciences
Classification: Benign for FANCB-related condition. Last evaluated: 2021-04-19. Review status: no assertion criteria provided. Collection method: clinical testing. Allele origin: germline. Not counted in ClinVar's aggregate classification.
Comment: This variant is classified as benign based on ACMG/AMP sequence variant interpretation guidelines (Richards et al. 2015 PMID: 25741868, with internal and published modifications).

Center of Medical Genetics and Primary Health Care
Classification: Benign for Breast Cancer. Review status: no assertion criteria provided. Collection method: clinical testing. Allele origin: germline. Affected: yes. Not counted in ClinVar's aggregate classification.

Clinical Genetics DNA and cytogenetics Diagnostics Lab, Erasmus MC, Erasmus Medical Center
Classification: Benign. Review status: no assertion criteria provided. Collection method: clinical testing. Allele origin: germline. Affected: yes. Study: VKGL Data-share Consensus. Not counted in ClinVar's aggregate classification.

Genome Diagnostics Laboratory, Amsterdam University Medical Center
Classification: Likely benign. Review status: no assertion criteria provided. Collection method: clinical testing. Allele origin: germline. Affected: yes. Study: VKGL Data-share Consensus. Not counted in ClinVar's aggregate classification.